The following is an entry in ClinVar:

NM_001287491.2(TET3):c.2037dup (p.Thr680fs)

Gene: TET3 (tet methylcytosine dioxygenase 3; plus strand). Cytogenetic location: 2p13.1.
Variant type: Duplication.
Coding change: c.2037dup on transcript NM_001287491.2 (MANE Select); coding-DNA position 2037, one base duplicated (T; older notation c.2037dupT).
Protein change: p.Thr680fs; shifts the reading frame from threonine 680.
Molecular consequence: frameshift variant.
Genome position (GRCh38, 1-based): chr2:74,047,954, T duplicated. VCF-style (leftmost placement, unchanged base first): chr2-74047953-C-CT. GRCh37 (hg19) VCF-style: chr2-74275080-C-CT.
Other names: c.1758dup, p.Thr587fs (NM_001366022.1); short protein forms T587fs, T680fs.
Identifiers: ClinVar variation 4852255 (VCV004852255.1).

ClinVar aggregate classification (germline): Pathogenic (1 of 4 stars; one submission).

Conditions:
Beck-Fahrner syndrome (BEFAHRS). Identifiers: Orphanet 684216, MedGen C5394097, MONDO:0032922, OMIM 618798.

Submission:

Variantyx, Inc.
Classification: Pathogenic for Beck-Fahrner syndrome. Last evaluated: 2025-08-14. Review status: criteria provided, single submitter. Criteria: Variantyx Assertion Criteria 2022. Collection method: clinical testing. Allele origin: de novo. Inheritance: Semidominant inheritance. Affected: yes.
Comment: This is a frameshift variant in the TET3 gene (OMIM: 613555). Pathogenic variants in this gene have been associated with autosomal semidominant Beck-Fahrner syndrome. The alteration introduces a premature termination codon in exon 4 out of 12 and is expected to result in loss of function, which is a known disease mechanism for TET3 in this disorder (PMID: 31928709) (PVS1). This variant is absent from control populations (PM2), and it has not been reported in individuals with TET3-related disorders in the databases available for review. Based on the current evidence, this variant is classified as pathogenic for autosomal semidominant Beck-Fahrner syndrome. Of note, affected individuals have been reported to have biallelic pathogenic variants inherited in trans from heterozygous parents who have milder features of Beck-Fahrner syndrome. This is now thought to represent autosomal dominant inheritance with variable expressivity, as opposed to autosomal recessive inheritance (PMID:37200470).

Literature cited by the submitters: PubMed 31928709; PubMed 37200470.